The following is an entry in ClinVar:

NM_024577.4(SH3TC2):c.3836G>A (p.Arg1279Gln)

Gene: SH3TC2 (SH3 domain and tetratricopeptide repeats 2; minus strand). Cytogenetic location: 5q32.
Variant type: single nucleotide variant.
Coding change: c.3836G>A on transcript NM_024577.4 (MANE Select); coding-DNA position 3836, G replaced by A.
Protein change: p.Arg1279Gln; replaces arginine 1279 with glutamine.
Molecular consequence: missense variant.
Genome position (GRCh38, 1-based): chr5:149,004,742, C>T on the plus strand (G>A on the coding strand, the complement: SH3TC2 is on the minus strand). VCF-style: chr5-149004742-C-T. GRCh37 (hg19) VCF-style: chr5-148384305-C-T.
Other names: short protein forms R1279Q.
Identifiers: ClinVar variation 655378 (VCV000655378.18), dbSNP rs142774907, ClinGen allele CA3498614.

ClinVar aggregate classification (germline): Conflicting classifications of pathogenicity. Review status: criteria provided, conflicting classifications (1 of 4 stars). 7 submissions from 7 submitters: Uncertain significance (5); Likely benign (1). 1 of the submissions does not count toward it. Last evaluated 2026-08-04.

Conditions:
Charcot-Marie-Tooth disease type 4. Also called: Charcot-Marie-Tooth disease, type IV; Charcot-Marie-Tooth, Type 4. Identifiers: Orphanet 64749, MedGen C4082197, MONDO:0018995.
SH3TC2-related disorder. Also called: SH3TC2-related disorders; SH3TC2-related condition. Identifiers: MedGen CN239303.
Inborn genetic diseases. Identifiers: MedGen C0950123, MeSH D030342.
Tip-toe gait. Also called: Toe walking. Identifiers: MedGen C0427144, HP:0030051.

Allele frequency attached by ClinVar (database versions not stated): ExAC 0.00002; gnomAD exomes 0.00003; ESP Exome Variant Server 0.00008; gnomAD 0.00008 and 0.00009; TOPMed 0.00009.
gnomAD v4.1: 54 of 1,613,642 alleles (0.0033%); highest among the groups gnomAD compares: Middle Eastern, 0.034%; no homozygotes.

Submissions (7):

PreventionGenetics, part of Exact Sciences
Classification: Uncertain significance for SH3TC2-related condition. Last evaluated: 2026-08-04. Review status: criteria provided, single submitter. Criteria: ACMG Guidelines, 2015. Collection method: clinical testing. Allele origin: germline.
Comment: The SH3TC2 c.3836G>A variant is predicted to result in the amino acid substitution p.Arg1279Gln. To our knowledge, this variant has not been reported in the literature. This variant is reported in 0.0081% of alleles in individuals of African descent in gnomAD. At this time, the clinical significance of this variant is uncertain due to the absence of conclusive functional and genetic evidence.

Ambry Genetics
Classification: Uncertain significance for Inborn genetic diseases. Last evaluated: 2025-12-31. Review status: criteria provided, single submitter. Criteria: Ambry Variant Classification Scheme 2023. Collection method: clinical testing. Allele origin: germline.

Labcorp Genetics (formerly Invitae), Labcorp
Classification: Likely benign for Charcot-Marie-Tooth disease type 4. Last evaluated: 2025-08-25. Review status: criteria provided, single submitter. Criteria: Invitae Variant Classification Sherloc (09022015). Collection method: clinical testing. Allele origin: germline.

Women's Health and Genetics/Laboratory Corporation of America, LabCorp
Classification: Uncertain significance. Last evaluated: 2025-01-14. Review status: criteria provided, single submitter. Criteria: LabCorp Variant Classification Summary - May 2015. Collection method: clinical testing. Allele origin: germline.
Comment: Variant summary: SH3TC2 c.3836G>A (p.Arg1279Gln) results in a conservative amino acid change in the encoded protein sequence. Three of five in-silico tools predict a damaging effect of the variant on protein function. The variant allele was found at a frequency of 2.8e-05 in 250288 control chromosomes. The available data on variant occurrences in the general population are insufficient to allow any conclusion about variant significance. To our knowledge, no occurrence of c.3836G>A in individuals affected with Charcot-Marie-Tooth disease type 4C and no experimental evidence demonstrating its impact on protein function have been reported. ClinVar contains an entry for this variant (Variation ID: 655378). Based on the evidence outlined above, the variant was classified as uncertain significance.

Blueprint Genetics
Classification: Uncertain significance. Last evaluated: 2024-11-22. Review status: criteria provided, single submitter. Criteria: ACMG Guidelines, 2015. Collection method: clinical testing. Allele origin: germline.

ARUP Laboratories, Molecular Genetics and Genomics, ARUP Laboratories
Classification: Uncertain significance. Last evaluated: 2023-12-20. Review status: criteria provided, single submitter. Criteria: ARUP Molecular Germline Variant Investigation Process 2024. Collection method: clinical testing. Allele origin: germline.
Comment: The SH3TC2 c.3836G>A; p.Arg1279Gln variant (rs142774907), to our knowledge, is not reported in the medical literature but is reported in ClinVar (Variation ID: 655378). This variant is observed in the general population with an overall allele frequency of 0.003% (8/281670 alleles) in the Genome Aggregation Database (v2.1.1). Computational analyses are uncertain whether this variant is neutral or deleterious (REVEL: 0.461). Due to limited information, the clinical significance of this variant is uncertain at this time.

Practice for Gait Abnormalities, David Pomarino, Competency Network Toe Walking C/o Practice Pomarino
Classification: Likely pathogenic for Tip-toe gait. Review status: no assertion criteria provided. Collection method: clinical testing. Allele origin: germline. Affected: yes. Not counted in ClinVar's aggregate classification.
Comment: Hereditary motor sensory neuropathy (HMSN), also known as Charcot-Marie-Tooth Disease (CMT), is the most commonly inherited peripheral polyneuropathy. It constitutes a group of inherited, progressive, motor and sensory peripheral nerve disorders with properties of demyelination, axonal degeneration, or both. It is classified by clinical characteristics, modes of inheritance, electrophysiologic features, metabolic defects, and specific gene markers. Our patients all walk on tiptoe, so they show similar symptoms. When we genetically test them with our toe walking panel, we find that around 90 per cent of them have a genetic variant that explains their toe walking. These can be assigned, for example, to the area of myopathies (such as variants of the COL6A3 gene), the area of hereditary neuropathies (such as variants of the KMT2C gene) or the area of metabolic diseases (such as variants of the PYGM gene). In a smaller group of patients with almost identical symptoms, no abnormality is found in the genes of our panel, but spastic paraplegia can be detected. In another small group of our toe walkers, no abnormalities can be detected in the genes analysed in our toe walking panel, nor do they suffer from spastic paraplegia, as is also the case with healthy children. In contrast to these, however, they show a tiptoe gait. These patients suffer from infantile cerebral palsy, in which toe walking can also be observed.

Literature cited by the submitters: DOI 10.3238/oup.2019.0380-0382 (cited by Practice for Gait Abnormalities, David Pomarino, Competency Network Toe Walking C/o Practice Pomarino); PubMed 37091313 (cited by Practice for Gait Abnormalities, David Pomarino, Competency Network Toe Walking C/o Practice Pomarino).